The following is an entry in ClinVar:

NM_000744.7(CHRNA4):c.1323C>G (p.Ser441Arg)

Gene: CHRNA4 (cholinergic receptor nicotinic alpha 4 subunit; minus strand). Cytogenetic location: 20q13.33.
Variant type: single nucleotide variant.
Coding change: c.1323C>G on transcript NM_000744.7 (MANE Select); coding-DNA position 1323, C replaced by G.
Protein change: p.Ser441Arg; replaces serine 441 with arginine.
Molecular consequence: missense variant. On other transcripts: non-coding transcript variant (1).
Genome position (GRCh38, 1-based): chr20:63,350,088, G>C on the plus strand (C>G on the coding strand, the complement: CHRNA4 is on the minus strand). VCF-style: chr20-63350088-G-C. GRCh37 (hg19) VCF-style: chr20-61981440-G-C.
Other names: c.1323C>G (NM_000744.5); c.795C>G, p.Ser265Arg (NM_001256573.2); short protein forms S441R, S265R.
Identifiers: ClinVar variation 3672541 (VCV003672541.3).

ClinVar aggregate classification (germline): Uncertain significance. Review status: criteria provided, multiple submitters, no conflicts (2 of 4 stars). 2 submissions from 2 submitters: Uncertain significance (2). Last evaluated 2025-12-03.

Conditions:
Familial sleep-related hypermotor epilepsy. Also called: Autosomal Dominant Sleep-Related Hypermotor (Hyperkinetic) Epilepsy. Identifiers: Orphanet 98784, MedGen C3696898, MONDO:0000030.
Inborn genetic diseases. Identifiers: MedGen C0950123, MeSH D030342.

gnomAD v4.1: 2 of 1,526,486 alleles (0.00013%); highest among the groups gnomAD compares: African/African-American, 0.0027%; no homozygotes.

Submissions (2):

Ambry Genetics
Classification: Uncertain significance for Inborn genetic diseases. Last evaluated: 2025-12-03. Review status: criteria provided, single submitter. Criteria: Ambry Variant Classification Scheme 2023. Collection method: clinical testing. Allele origin: germline.

Labcorp Genetics (formerly Invitae), Labcorp
Classification: Uncertain significance. Last evaluated: 2024-09-08. Review status: criteria provided, single submitter. Criteria: Invitae Variant Classification Sherloc (09022015). Collection method: clinical testing. Allele origin: germline.
Comment: This sequence change replaces serine, which is neutral and polar, with arginine, which is basic and polar, at codon 441 of the CHRNA4 protein (p.Ser441Arg). This variant is present in population databases (no rsID available, gnomAD 0.01%). This variant has not been reported in the literature in individuals affected with CHRNA4-related conditions. An algorithm developed to predict the effect of missense changes on protein structure and function (PolyPhen-2) suggests that this variant is likely to be disruptive. In summary, the available evidence is currently insufficient to determine the role of this variant in disease. Therefore, it has been classified as a Variant of Uncertain Significance.